The following is an entry in ClinVar:

NM_004974.4(KCNA2):c.1185G>A (p.Ala395=)

Gene: KCNA2 (potassium voltage-gated channel subfamily A member 2; minus strand). Cytogenetic location: 1p13.3.
Variant type: single nucleotide variant.
Coding change: c.1185G>A on transcript NM_004974.4 (MANE Select); coding-DNA position 1185, G replaced by A.
Protein change: p.Ala395=; no amino-acid change (alanine 395 retained).
Molecular consequence: synonymous variant. On other transcripts: intron variant (1).
Genome position (GRCh38, 1-based): chr1:110,603,598, C>T on the plus strand (G>A on the coding strand, the complement: KCNA2 is on the minus strand). VCF-style: chr1-110603598-C-T. GRCh37 (hg19) VCF-style: chr1-111146220-C-T.
Other names: c.894+291G>A (NM_001204269.2).
Identifiers: ClinVar variation 476046 (VCV000476046.20), dbSNP rs78349687, ClinGen allele CA1000650.

ClinVar aggregate classification (germline): Benign/Likely benign. Review status: criteria provided, multiple submitters, no conflicts (2 of 4 stars). 7 submissions from 7 submitters: Benign (3); Likely benign (3). 1 of the submissions does not count toward it. Last evaluated 2026-08-01.

Conditions:
KCNA2-related disorder. Also called: KCNA2-related condition.
Inborn genetic diseases. Identifiers: MedGen C0950123, MeSH D030342.
Developmental and epileptic encephalopathy, 32 (DEE32). Also called: Epileptic encephalopathy, early infantile, 32. Identifiers: Orphanet 442835, MedGen C4225350, MONDO:0014607, OMIM 616366.

Allele frequency attached by ClinVar (database versions not stated): TOPMed 0.00014; 1000 Genomes Project 30x 0.00016.
gnomAD v4.1: 127 of 1,613,964 alleles (0.0079%); highest among the groups gnomAD compares: Admixed American, 0.2%; 4 homozygotes.

Submissions (7):

CeGaT Center for Human Genetics Tuebingen
Classification: Likely benign. Last evaluated: 2026-08-01. Review status: criteria provided, single submitter. Criteria: CeGaT Center For Human Genetics Tuebingen Variant Classification Criteria Version 2. Collection method: clinical testing. Allele origin: germline. Affected: yes. Observed: 1 variant allele.
Comment: KCNA2: BP4, BP7, BS1

Labcorp Genetics (formerly Invitae), Labcorp
Classification: Benign for Developmental and epileptic encephalopathy, 32. Last evaluated: 2026-01-26. Review status: criteria provided, single submitter. Criteria: Invitae Variant Classification Sherloc (09022015). Collection method: clinical testing. Allele origin: germline.

ARUP Laboratories, Molecular Genetics and Genomics, ARUP Laboratories
Classification: Benign for Developmental and epileptic encephalopathy, 32. Last evaluated: 2024-12-16. Review status: criteria provided, single submitter. Criteria: ARUP Molecular Germline Variant Investigation Process 2024. Collection method: clinical testing. Allele origin: germline.

GeneDx
Classification: Benign. Last evaluated: 2020-02-25. Review status: criteria provided, single submitter. Criteria: GeneDx Variant Classification Process June 2021. Collection method: clinical testing. Allele origin: germline. Affected: yes.

Blueprint Genetics
Classification: Likely benign. Last evaluated: 2019-07-25. Review status: criteria provided, single submitter. Criteria: ACMG Guidelines, 2015. Collection method: clinical testing. Allele origin: germline.

Ambry Genetics
Classification: Likely benign for Inborn genetic diseases. Last evaluated: 2017-08-09. Review status: criteria provided, single submitter. Criteria: Ambry Variant Classification Scheme 2023. Collection method: clinical testing. Allele origin: germline.

PreventionGenetics, part of Exact Sciences
Classification: Likely benign for KCNA2-related condition. Last evaluated: 2019-02-28. Review status: no assertion criteria provided. Collection method: clinical testing. Allele origin: germline. Not counted in ClinVar's aggregate classification.
Comment: This variant is classified as likely benign based on ACMG/AMP sequence variant interpretation guidelines (Richards et al. 2015 PMID: 25741868, with internal and published modifications).